The following is an entry in ClinVar:

ClinVar aggregate classification (germline): Uncertain significance (1 of 4 stars; one submission).

gnomAD v4.1: 3 of 1,550,168 alleles (0.00019%); highest among the groups gnomAD compares: African/African-American, 0.0041%; no homozygotes.

Submission:

Ambry Genetics
Classification: Uncertain significance. Last evaluated: 2026-01-09. Review status: criteria provided, single submitter. Criteria: Ambry Variant Classification Scheme 2023. Collection method: clinical testing. Allele origin: germline.
Comment: The c.863T>C (p.M288T) alteration is located in exon 9 (coding exon 8) of the RIF1 gene. This alteration results from a T to C substitution at nucleotide position 863, causing the methionine (M) at amino acid position 288 to be replaced by a threonine (T). Based on data from gnomAD, the C allele has an overall frequency of 0.01% (3/31410) total alleles studied. The highest observed frequency was 0.034% (3/8718) of African alleles. Based on insufficient or conflicting evidence, the clinical significance of this alteration remains unclear.

NM_018151.5(RIF1):c.863T>C (p.Met288Thr)

Gene: RIF1 (replication timing regulatory factor 1; plus strand). Cytogenetic location: 2q23.3.
Variant type: single nucleotide variant.
Coding change: c.863T>C on transcript NM_018151.5 (MANE Select); coding-DNA position 863, T replaced by C.
Protein change: p.Met288Thr; replaces methionine 288 with threonine.
Molecular consequence: missense variant.
Genome position (GRCh38, 1-based): chr2:151,428,860, T>C. VCF-style: chr2-151428860-T-C. GRCh37 (hg19) VCF-style: chr2-152285374-T-C.
Other names: c.863T>C, p.Met288Thr (NM_001177663.2, NM_001177664.2, NM_001177665.2); short protein forms M288T.
Identifiers: ClinVar variation 4832947 (VCV004832947.1).